The following is an entry in ClinVar:

ClinVar aggregate classification (germline): Likely benign. Review status: criteria provided, multiple submitters, no conflicts (2 of 4 stars). 7 submissions from 7 submitters: Likely benign (7). Last evaluated 2026-08-01.

Conditions:
Familial thoracic aortic aneurysm and aortic dissection (TAAD). Also called: Thoracic aortic aneurysms and dissections. Identifiers: Orphanet 91387, MedGen C4707243, MONDO:0019625.
Ehlers-Danlos syndrome, kyphoscoliotic type 1 (EDSKSCL1). Also called: EHLERS-DANLOS SYNDROME, OCULAR-SCOLIOTIC TYPE; EHLERS-DANLOS SYNDROME, TYPE VIA; Ehlers-Danlos syndrome, hydroxylysine-deficient; PLOD1-Related Kyphoscoliotic Ehlers-Danlos Syndrome. Identifiers: Orphanet 1900, MedGen C0268342, MONDO:0016002, OMIM 225400. Disease mechanism: loss of function.

Allele frequency attached by ClinVar (database versions not stated): ESP Exome Variant Server 0.00008; ExAC 0.00013; gnomAD exomes 0.00019; gnomAD 0.00032 and 0.00034; 1000 Genomes Project 0.00040; TOPMed 0.00040; 1000 Genomes Project 30x 0.00047.
gnomAD v4.1: 273 of 1,614,036 alleles (0.017%); highest among the groups gnomAD compares: Middle Eastern, 0.066%; no homozygotes.

Submissions (7):

CeGaT Center for Human Genetics Tuebingen
Classification: Likely benign. Last evaluated: 2026-08-01. Review status: criteria provided, single submitter. Criteria: CeGaT Center For Human Genetics Tuebingen Variant Classification Criteria Version 2. Collection method: clinical testing. Allele origin: germline. Affected: yes. Observed: 1 variant allele.
Comment: PLOD1: BP4

Labcorp Genetics (formerly Invitae), Labcorp
Classification: Likely benign for Ehlers-Danlos syndrome, kyphoscoliotic type 1. Last evaluated: 2026-01-26. Review status: criteria provided, single submitter. Criteria: Invitae Variant Classification Sherloc (09022015). Collection method: clinical testing. Allele origin: germline.

Mayo Clinic Laboratories, Mayo Clinic
Classification: Likely benign. Last evaluated: 2025-08-14. Review status: criteria provided, single submitter. Criteria: ACMG Guidelines, 2015. Collection method: clinical testing. Allele origin: germline. Observed: 1 variant allele.
Comment: BP4, BP7

Blueprint Genetics
Classification: Likely benign. Last evaluated: 2024-08-22. Review status: criteria provided, single submitter. Criteria: ACMG Guidelines, 2015. Collection method: clinical testing. Allele origin: germline.

Women's Health and Genetics/Laboratory Corporation of America, LabCorp
Classification: Likely benign. Last evaluated: 2023-08-10. Review status: criteria provided, single submitter. Criteria: LabCorp Variant Classification Summary - May 2015. Collection method: clinical testing. Allele origin: germline.

GeneDx
Classification: Likely benign. Last evaluated: 2021-02-19. Review status: criteria provided, single submitter. Criteria: GeneDx Variant Classification Process June 2021. Collection method: clinical testing. Allele origin: germline. Affected: yes.

Ambry Genetics
Classification: Likely benign for Familial thoracic aortic aneurysm and aortic dissection. Last evaluated: 2018-04-03. Review status: criteria provided, single submitter. Criteria: Ambry Variant Classification Scheme 2023. Collection method: clinical testing. Allele origin: germline.

NM_000302.4(PLOD1):c.1707G>A (p.Leu569=)

Gene: PLOD1 (procollagen-lysine,2-oxoglutarate 5-dioxygenase 1; plus strand). Cytogenetic location: 1p36.22.
Variant type: single nucleotide variant.
Coding change: c.1707G>A on transcript NM_000302.4 (MANE Select); coding-DNA position 1707, G replaced by A.
Protein change: p.Leu569=; no amino-acid change (leucine 569 retained).
Molecular consequence: synonymous variant.
Genome position (GRCh38, 1-based): chr1:11,967,043, G>A. VCF-style: chr1-11967043-G-A. GRCh37 (hg19) VCF-style: chr1-12027100-G-A.
Other names: p.Leu569=; c.1848G>A, p.Leu616= (NM_001316320.2).
Identifiers: ClinVar variation 459816 (VCV000459816.57), dbSNP rs139468110, ClinGen allele CA598526.
Genomic context (GRCh38, chr1:11,967,043, plus strand): 5'-CCAGCCCTGCCCGGATGTCTATTGGTTCCCCATCTTCACGGAGGTGGCCTGTGATGAGCT[G>A]GTGGAGGAGATGGAGCACTTTGGCCAGTGGTCTCTGGGCAACAACAAGGTGGGACCCTGA-3'
Protein context (NP_000293.2, residues 559-579): PIFTEVACDE[Leu569=]VEEMEHFGQW